The following is an entry in ClinVar:

ClinVar aggregate classification (germline): Pathogenic/Likely pathogenic. Review status: criteria provided, multiple submitters, no conflicts (2 of 4 stars). 9 submissions from 9 submitters: Pathogenic (4); Likely pathogenic (4). 1 of the submissions does not count toward it. Last evaluated 2026-01-31.

Conditions:
Long telomere syndrome.
Tumor predisposition syndrome 3 (TPDS3). Also called: Melanoma, cutaneous malignant, susceptibility to, 10; Glioma susceptibility 9; LONG TELOMERE SYNDROME, POT1-RELATED; POT1 Tumor Predisposition. Identifiers: Orphanet 618, MedGen C4014476, MONDO:0014368, OMIM 615848.
Hereditary cancer-predisposing syndrome. Also called: Hereditary Cancer Syndrome; Neoplastic Syndromes, Hereditary; Tumor predisposition; Hereditary neoplastic syndrome. Identifiers: Orphanet 140162, MedGen C0027672, MeSH D009386, MONDO:0015356.

Allele frequency attached by ClinVar (database versions not stated): TOPMed 0.00002; gnomAD 0.00003; gnomAD exomes 0.00004 and 0.00005; ExAC 0.00006; ESP Exome Variant Server 0.00016.

Submissions (9):

Labcorp Genetics (formerly Invitae), Labcorp
Classification: Pathogenic for Tumor predisposition syndrome 3. Last evaluated: 2026-01-31. Review status: criteria provided, single submitter. Criteria: Invitae Variant Classification Sherloc (09022015). Collection method: clinical testing. Allele origin: germline.
Comment: This sequence change creates a premature translational stop signal (p.Gln358Serfs*13) in the POT1 gene. It is expected to result in an absent or disrupted protein product. Loss-of-function variants in POT1 are known to be pathogenic (PMID: 32155570). This variant is present in population databases (rs750470470, gnomAD 0.007%). This premature translational stop signal has been observed in individual(s) with chronic lymphocytic leukemia and/or colorectal cancer (PMID: 27528712, 29625052). ClinVar contains an entry for this variant (Variation ID: 541864). For these reasons, this variant has been classified as Pathogenic.

Institute of Human Genetics, University of Leipzig Medical Center
Classification: Pathogenic for Tumor predisposition syndrome 3. Last evaluated: 2025-03-04. Review status: criteria provided, single submitter. Criteria: ACMG Guidelines, 2015. Collection method: clinical testing. Allele origin: unknown. Inheritance: Autosomal dominant inheritance. Affected: yes.
Comment: Criteria applied: PVS1,PS4_MOD

Molecular Pathology, Peter Maccallum Cancer Centre
Classification: Likely pathogenic for Tumor predisposition syndrome 3. Last evaluated: 2024-11-14. Review status: criteria provided, single submitter. Criteria: ACMG Guidelines, 2015. Collection method: clinical testing. Allele origin: germline. Inheritance: Autosomal dominant inheritance.

Ambry Genetics
Classification: Pathogenic for Hereditary cancer-predisposing syndrome. Last evaluated: 2024-09-13. Review status: criteria provided, single submitter. Criteria: Ambry Variant Classification Scheme 2023. Collection method: clinical testing. Allele origin: germline.
Comment: The c.1071dupT pathogenic mutation, located in coding exon 9 of the POT1 gene, results from a duplication of T at nucleotide position 1071, causing a translational frameshift with a predicted alternate stop codon (p.Q358Sfs*13).This alteration has been reported in two siblings with chronic lymphyocytic leukemia (Speedy HE et al. Blood, 2016 11;128:2319-2326). In addition to the clinical data presented in the literature, this alteration is expected to result in loss of function by premature protein truncation or nonsense-mediated mRNA decay. As such, this alteration is interpreted as a disease-causing mutation.

GeneDx
Classification: Pathogenic. Last evaluated: 2023-08-14. Review status: criteria provided, single submitter. Criteria: GeneDx Variant Classification Process June 2021. Collection method: clinical testing. Allele origin: germline. Affected: yes.
Comment: Frameshift variant predicted to result in protein truncation or nonsense mediated decay in a gene for which loss-of-function is a known mechanism of disease; Not observed at significant frequency in large population cohorts (gnomAD); This variant is associated with the following publications: (PMID: 29625052, 27528712, 32987645, 36656928, 32155570, 36451132)

Sema4
Classification: Likely pathogenic for Hereditary cancer-predisposing syndrome. Last evaluated: 2021-10-14. Review status: criteria provided, single submitter. Criteria: Sema4 Curation Guidelines. Collection method: curation. Allele origin: germline.
Comment: The POT1 c.1071dupT (p.Q358SfsX13) variant has been reported in individuals with chronic lymphocytic leukemia and rectum adenocarcinoma (PMID 27528712, 29625052). This variant causes a frameshift at amino acid 358 that results in premature termination 13 amino acids downstream. This variant is predicted to cause loss of normal protein function either through protein truncation or nonsense-mediated mRNA decay. It was observed in 8/112652 chromosomes of the Non-Finnish European subpopulation in the large and broad cohorts of the Genome Aggregation Database (PMID: 32461654). The variant has been reported in ClinVar (Variation ID 541864). Based on the current evidence available, this variant is interpreted as likely pathogenic.

St. Jude Molecular Pathology, St. Jude Children's Research Hospital
Classification: Likely pathogenic for Tumor predisposition syndrome 3. Last evaluated: 2021-06-24. Review status: criteria provided, single submitter. Criteria: St. Jude Assertion Criteria 2020. Collection method: clinical testing. Allele origin: germline.
Comment: The POT1 c.1071dup (p.Gln358SerfsTer13) change causes a frameshift and the creation of a premature stop codon. This change is predicted to cause protein truncation or absence of the protein due to nonsense mediated decay (PVS1). This variant has a maximum subpopulation frequency of 0.0071% in gnomAD v2.1.1. This variant has been reported in two affected siblings in a kindred with familial chronic lymphocytic leukemia (PS4_Supporting; PMID: 27528712). In summary, this variant meets criteria to be classified as likely pathogenic based on the ACMG/AMP criteria: PVS1, PS4.

University Health Network, Familial Cancer Clinic, Princess Margaret Cancer Centre
Classification: Likely pathogenic for Tumor predisposition syndrome 3. Review status: criteria provided, single submitter. Criteria: ACMG Guidelines, 2015. Collection method: clinical testing. Allele origin: germline. Inheritance: Autosomal dominant inheritance. Affected: yes. Observed: 1 variant allele.

The Telomere Center at Johns Hopkins, Johns Hopkins University School of Medicine
Classification: Pathogenic for Long telomere syndrome. Last evaluated: 2023-04-01. Review status: no assertion criteria provided. Collection method: research. Allele origin: germline. Affected: yes. Not counted in ClinVar's aggregate classification.

Literature cited by the submitters: PubMed 32155570 (cited by Labcorp Genetics (formerly Invitae), Labcorp); PubMed 27528712 (cited by 3 submitters); PubMed 29625052 (cited by Labcorp Genetics (formerly Invitae), Labcorp and Sema4); PubMed 38688277 (cited by The Telomere Center at Johns Hopkins, Johns Hopkins University School of Medicine).

NM_015450.3(POT1):c.1071dup (p.Gln358fs)

Gene: POT1 (protection of telomeres 1; minus strand). Cytogenetic location: 7q31.33.
Variant type: Duplication.
Coding change: c.1071dup on transcript NM_015450.3 (MANE Select); coding-DNA position 1071, one base duplicated (T; older notation c.1071dupT).
Protein change: p.Gln358fs; shifts the reading frame from glutamine 358.
Molecular consequence: frameshift variant. On other transcripts: non-coding transcript variant (3).
Genome position (GRCh38, 1-based): chr7:124,842,899, A duplicated on the plus strand (T on the coding strand, the reverse complement: POT1 is on the minus strand). VCF-style (leftmost placement, unchanged base first): chr7-124842898-G-GA. GRCh37 (hg19) VCF-style: chr7-124482952-G-GA.
Other names: c.678dup, p.Gln227fs (NM_001042594.2); c.1071dupT (NM_015450.2); short protein forms Q227fs, Q358fs.
Identifiers: ClinVar variation 541864 (VCV000541864.28), dbSNP rs750470470, ClinGen allele CA4465235.